The following is an entry in ClinVar:

ClinVar aggregate classification (germline): Uncertain significance (1 of 4 stars; one submission).

Submission:

GeneDx
Classification: Uncertain significance. Last evaluated: 2022-12-14. Review status: criteria provided, single submitter. Criteria: GeneDx Variant Classification Process June 2021. Collection method: clinical testing. Allele origin: germline. Affected: yes.
Comment: In-frame deletion of 1 amino acids in a repetitive region with no known function; Has not been previously published as pathogenic or benign to our knowledge; Variants in candidate genes are classified as variants of uncertain significance in accordance with ACMG guidelines (Richards et al., 2015)

NM_175748.4(UBR7):c.1240AGA[2] (p.Arg416del)

Gene: UBR7 (ubiquitin protein ligase E3 component n-recognin 7; plus strand). Cytogenetic location: 14q32.12.
Variant type: Microsatellite.
Coding change: c.1240AGA[2] on transcript NM_175748.4 (MANE Select); two copies in a row of the 3-base unit AGA starting at c.1240; the reference has three copies in a row; one copy, 3 bases deleted.
Protein change: p.Arg416del; deletes arginine 416.
Molecular consequence: inframe deletion. On other transcripts: frameshift variant (1), non-coding transcript variant (1).
Genome position (GRCh38, 1-based): chr14:93,227,003-93,227,005, AGA deleted; deleting any 3 consecutive bases within chr14:93,226,997-93,227,005 gives the same sequence; the position shown is the placement nearest the transcript's 3' end. VCF-style (leftmost placement, unchanged base first): chr14-93226996-GAGA-G. GRCh37 (hg19) VCF-style: chr14-93693342-GAGA-G.
Other names: c.785_787AGA[2], p.Arg263Lysfs (NM_018108.2); short protein forms R416del.
Identifiers: ClinVar variation 2505740 (VCV002505740.1), dbSNP rs938250388, ClinGen allele CA265764683.
Genomic context (GRCh38, chr14:93,226,996, plus strand): 5'-AAAACAGGTTGTTAAGAGAGAGGACATTCAGCAGTTCTTTGAAGAGTTTCAGTCAAAAAA[GAGA>G]AGAAGAGTGGATGGGATGCAGTATTACTGCAGCTAGAGTGGAGTATGAAGCTTTCTCATT-3'